The following is an entry in ClinVar:

ClinVar aggregate classification (germline): Conflicting classifications of pathogenicity. Review status: criteria provided, conflicting classifications (1 of 4 stars). 4 submissions from 4 submitters: Pathogenic (1); Likely pathogenic (2); Uncertain significance (1). Last evaluated 2025-08-26.

Conditions:
COL4A3-related disorder. Also called: COL4A3-related condition; COL4A3-Related Disorders.
Alport syndrome. Also called: Hemorrhagic familial nephritis; Hemorrhagic hereditary nephritis; Congenital hereditary hematuria. Identifiers: Orphanet 63, MedGen C1567741, MONDO:0018965.
Autosomal dominant Alport syndrome (ATS3A). Also called: Alport syndrome dominant type; Renal failure and sensorineural hearing loss; ALPORT SYNDROME 3A, AUTOSOMAL DOMINANT. Identifiers: Orphanet 63, Orphanet 88918, MedGen C5882663, MONDO:0007086, OMIM 104200.

Allele frequency attached by ClinVar (database versions not stated): gnomAD exomes below 0.00001.
gnomAD v4.1: 1 of 1,613,862 alleles (0.000062%); highest among the groups gnomAD compares: Admixed American, 0.0017%; no homozygotes.

Submissions (4):

Natera, Inc.
Classification: Likely pathogenic for Alport syndrome. Last evaluated: 2025-08-26. Review status: criteria provided, single submitter. Criteria: Natera Variant Classification Schema (03/2026). Collection method: clinical testing. Allele origin: germline.
Comment: The c.2585G>C variant in COL4A3 is a missense variant predicted to cause substitution of glycine to alanine at amino acid 862. This variant is rare in the general population with a frequency below the threshold expected for the associated phenotype(s). This variant is located in a functionally critical region of the protein. Computational prediction algorithms indicate this variant is likely to affect gene or protein function. Given the available evidence, this variant is classified as Likely Pathogenic.

Molecular Genetics and NGS Laboratory, Hospital Fundacion Valle Del Lili
Classification: Pathogenic for Autosomal dominant Alport syndrome. Last evaluated: 2024-09-05. Review status: criteria provided, single submitter. Criteria: ACMG Guidelines, 2015. Collection method: clinical testing. Allele origin: germline. Affected: yes. Observed: 1 variant allele.
Comment: Alternative variant chr2:227282460 G⇒C (Gly862Arg) is classified Likely Pathogenic, 1 star, by ClinVar (confirmed using the germline classifier). Alternative variant chr2:227282460 G⇒A (Gly862Ser) is classified Likely Pathogenic, 0 stars, by ClinVar (confirmed using the germline classifier).2 pathogenic alternative variants identified (PM5). MetaRNN = 0.994 is greater than 0.939 ⇒ strong pathogenic (PP3). Hot-spot of length 17 amino-acids has 13 missense/in-frame variants (5 pathogenic variants, 8 uncertain variants and no benign), which qualifies as moderate pathogenic.UniProt protein CO4A3_HUMAN region of interest 'Disordered' has 471 missense/in-frame variants (184 pathogenic variants, 263 uncertain variants and 24 benign variants), which qualifies as moderate pathogenic.UniProt protein CO4A3_HUMAN region of interest 'Triple-helical region' has 720 missense/in-frame variants (270 pathogenic variants, 408 uncertain variants and 42 benign variants), which qualifies as moderate pathogenic (PM1).

Labcorp Genetics (formerly Invitae), Labcorp
Classification: Uncertain significance. Last evaluated: 2023-08-08. Review status: criteria provided, single submitter. Criteria: Invitae Variant Classification Sherloc (09022015). Collection method: clinical testing. Allele origin: germline.
Comment: In summary, the available evidence is currently insufficient to determine the role of this variant in disease. Therefore, it has been classified as a Variant of Uncertain Significance. Advanced modeling of protein sequence and biophysical properties (such as structural, functional, and spatial information, amino acid conservation, physicochemical variation, residue mobility, and thermodynamic stability) performed at Invitae indicates that this missense variant is expected to disrupt COL4A3 protein function. This variant has not been reported in the literature in individuals affected with COL4A3-related conditions. This variant is not present in population databases (gnomAD no frequency). This sequence change replaces glycine, which is neutral and non-polar, with alanine, which is neutral and non-polar, at codon 862 of the COL4A3 protein (p.Gly862Ala).

PreventionGenetics, part of Exact Sciences
Classification: Likely pathogenic for COL4A3-related condition. Last evaluated: 2023-04-17. Review status: criteria provided, single submitter. Criteria: ACMG Guidelines, 2015. Collection method: clinical testing. Allele origin: germline.
Comment: The COL4A3 c.2585G>C variant is predicted to result in the amino acid substitution p.Gly862Ala. To our knowledge, this variant has not been reported in the literature or in a large population database, indicating this variant is rare. The p.Gly862 residue is located in the conserved triple helical domain, where substitutions of the glycine are usually pathogenic (UniProt residues 43-1438, Hudson et al. 1993. PubMed ID: 8253711). This variant is interpreted as likely pathogenic.

NM_000091.5(COL4A3):c.2585G>C (p.Gly862Ala)

Genes: MFF-DT (MFF divergent transcript; minus strand), COL4A3 (collagen type IV alpha 3 chain; plus strand). Cytogenetic location: 2q36.3.
Variant type: single nucleotide variant.
Coding change: c.2585G>C on transcript NM_000091.5 (MANE Select); coding-DNA position 2585, G replaced by C.
Protein change: p.Gly862Ala; replaces glycine 862 with alanine.
Molecular consequence: missense variant.
Genome position (GRCh38, 1-based): chr2:227,282,461, G>C. VCF-style: chr2-227282461-G-C. GRCh37 (hg19) VCF-style: chr2-228147177-G-C.
Other names: p.Gly862Ala; short protein forms G862A.
Identifiers: ClinVar variation 2633400 (VCV002633400.7), dbSNP rs2469770082, ClinGen allele CA350850484.